The following is an entry in ClinVar:

NM_005422.4(TECTA):c.5372C>A (p.Pro1791His)

Genes: TBCEL-TECTA (TBCEL-TECTA readthrough; plus strand), TECTA (tectorin alpha; plus strand). Cytogenetic location: 11q23.3.
Variant type: single nucleotide variant.
Coding change: c.5372C>A on transcript NM_005422.4 (MANE Select); coding-DNA position 5372, C replaced by A.
Protein change: p.Pro1791His; replaces proline 1791 with histidine.
Molecular consequence: missense variant.
Genome position (GRCh38, 1-based): chr11:121,165,372, C>A. VCF-style: chr11-121165372-C-A. GRCh37 (hg19) VCF-style: chr11-121036081-C-A.
Other names: c.6314C>A, p.Pro2105His (NM_001378761.1); short protein forms P1791H, P2105H.
Identifiers: ClinVar variation 4985309 (VCV004985309.1).

ClinVar aggregate classification (germline): Uncertain significance (1 of 4 stars; one submission).

Conditions:
TECTA-related disorder. Also called: TECTA-related condition.

gnomAD v4.1: 5 of 1,589,400 alleles (0.00031%); highest among the groups gnomAD compares: Admixed American, 0.0035%; no homozygotes.

Submission:

PreventionGenetics, part of Exact Sciences
Classification: Uncertain significance for TECTA-related condition. Last evaluated: 2026-03-03. Review status: criteria provided, single submitter. Criteria: ACMG Guidelines, 2015. Collection method: clinical testing. Allele origin: germline.
Comment: The TECTA c.5372C>A variant is predicted to result in the amino acid substitution p.Pro1791His. To our knowledge, this variant has not been reported in the literature. This variant is reported in 0.0063% of alleles in individuals of East Asian descent in gnomAD. At this time, the clinical significance of this variant is uncertain due to the absence of conclusive functional and genetic evidence.